The following is an entry in ClinVar:

NM_032444.4(SLX4):c.256A>T (p.Ile86Leu)

Gene: SLX4 (SLX4 structure-specific endonuclease subunit; minus strand). Cytogenetic location: 16p13.3.
Variant type: single nucleotide variant.
Coding change: c.256A>T on transcript NM_032444.4 (MANE Select); coding-DNA position 256, A replaced by T.
Protein change: p.Ile86Leu; replaces isoleucine 86 with leucine.
Molecular consequence: missense variant.
Genome position (GRCh38, 1-based): chr16:3,608,709, T>A on the plus strand (A>T on the coding strand, the complement: SLX4 is on the minus strand). VCF-style: chr16-3608709-T-A. GRCh37 (hg19) VCF-style: chr16-3658710-T-A.
Other names: short protein forms I86L.
Identifiers: ClinVar variation 2892620 (VCV002892620.3), dbSNP rs2548225729, ClinGen allele CA394547617.

ClinVar aggregate classification (germline): Uncertain significance (1 of 4 stars; one submission).

Conditions:
Fanconi anemia (FA). Also called: Fanconi's anemia. Identifiers: Orphanet 84, MedGen C0015625, MeSH D005199, MONDO:0019391.

Submission:

Labcorp Genetics (formerly Invitae), Labcorp
Classification: Uncertain significance for Fanconi anemia. Last evaluated: 2023-07-19. Review status: criteria provided, single submitter. Criteria: Invitae Variant Classification Sherloc (09022015). Collection method: clinical testing. Allele origin: germline.
Comment: This sequence change replaces isoleucine, which is neutral and non-polar, with leucine, which is neutral and non-polar, at codon 86 of the SLX4 protein (p.Ile86Leu). This variant is not present in population databases (gnomAD no frequency). This variant has not been reported in the literature in individuals affected with SLX4-related conditions. Algorithms developed to predict the effect of missense changes on protein structure and function output the following: SIFT: "Not Available"; PolyPhen-2: "Benign"; Align-GVGD: "Not Available". The leucine amino acid residue is found in multiple mammalian species, which suggests that this missense change does not adversely affect protein function. In summary, the available evidence is currently insufficient to determine the role of this variant in disease. Therefore, it has been classified as a Variant of Uncertain Significance.